The following is an entry in ClinVar:

NM_000138.5(FBN1):c.3083-2A>G

Gene: FBN1 (fibrillin 1; minus strand). Cytogenetic location: 15q21.1.
Variant type: single nucleotide variant.
Coding change: c.3083-2A>G on transcript NM_000138.5 (MANE Select); the canonical splice acceptor site of the intron before coding-DNA position 3083, A replaced by G.
Molecular consequence: splice acceptor variant.
Genome position (GRCh38, 1-based): chr15:48,488,495, T>C on the plus strand (A>G on the coding strand, the complement: FBN1 is on the minus strand). VCF-style: chr15-48488495-T-C. GRCh37 (hg19) VCF-style: chr15-48780692-T-C.
Other names: c.3083-2A>G (NM_001406716.1).
Identifiers: ClinVar variation 931144 (VCV000931144.3), dbSNP rs2043529474, ClinGen allele CA392328346.

ClinVar aggregate classification (germline): Pathogenic (1 of 4 stars; one submission).

Conditions:
Progeroid and marfanoid aspect-lipodystrophy syndrome. Also called: MARFANOID-PROGEROID SYNDROME; MARFAN-PROGEROID-LIPODYSTROPHY SYNDROME; Marfan lipodystrophy syndrome; MARFANOID-PROGEROID-LIPODYSTROPHY SYNDROME. Identifiers: Orphanet 300382, MedGen C4310796, MONDO:0014831, OMIM 616914.

Submission:

Centre for Mendelian Genomics, University Medical Centre Ljubljana
Classification: Pathogenic for Progeroid and marfanoid aspect-lipodystrophy syndrome. Last evaluated: 2019-05-20. Review status: criteria provided, single submitter. Criteria: ACMG Guidelines, 2015. Collection method: clinical testing. Allele origin: unknown. Affected: yes.
Comment: This variant was classified as: Pathogenic. The following ACMG criteria were applied in classifying this variant: PVS1,PM2,PP4.